The following is an entry in ClinVar:

ClinVar aggregate classification (germline): Benign. Review status: criteria provided, multiple submitters, no conflicts (2 of 4 stars). 2 submissions from 2 submitters: Benign (2). Last evaluated 2025-04-04.

Conditions:
Megalencephaly-polymicrogyria-postaxial polydactyly-hydrocephalus syndrome. Also called: MPPH Syndrome; MEG-PMG-MEGACC SYNDROME. Identifiers: Orphanet 83473, MedGen C1863924, MONDO:0019375.

Allele frequency attached by ClinVar (database versions not stated): gnomAD exomes 0.00009; ExAC 0.00012; gnomAD 0.00012 and 0.00028.

Submissions (2):

Labcorp Genetics (formerly Invitae), Labcorp
Classification: Benign for Megalencephaly-polymicrogyria-postaxial polydactyly-hydrocephalus syndrome. Last evaluated: 2025-04-04. Review status: criteria provided, single submitter. Criteria: Invitae Variant Classification Sherloc (09022015). Collection method: clinical testing. Allele origin: germline.

CeGaT Center for Human Genetics Tuebingen
Classification: Benign. Last evaluated: 2024-09-01. Review status: criteria provided, single submitter. Criteria: CeGaT Center For Human Genetics Tuebingen Variant Classification Criteria Version 2. Collection method: clinical testing. Allele origin: germline. Affected: yes. Observed: 1 variant allele.
Comment: PIK3R2: BP4, BS1, BS2

NM_005027.4(PIK3R2):c.104G>A (p.Arg35Gln)

Gene: PIK3R2 (phosphoinositide-3-kinase regulatory subunit 2; plus strand). Cytogenetic location: 19p13.11.
Variant type: single nucleotide variant.
Coding change: c.104G>A on transcript NM_005027.4 (MANE Select); coding-DNA position 104, G replaced by A.
Protein change: p.Arg35Gln; replaces arginine 35 with glutamine.
Molecular consequence: missense variant. On other transcripts: non-coding transcript variant (2).
Genome position (GRCh38, 1-based): chr19:18,155,983, G>A. VCF-style: chr19-18155983-G-A. GRCh37 (hg19) VCF-style: chr19-18266793-G-A.
Other names: short protein forms R35Q.
Identifiers: ClinVar variation 1503275 (VCV001503275.22), dbSNP rs762238231, ClinGen allele CA9306648.